The following is an entry in ClinVar:

NM_001394998.1(TANC2):c.5099A>C (p.Asn1700Thr)

Gene: TANC2 (tetratricopeptide repeat, ankyrin repeat and coiled-coil containing 2; plus strand). Cytogenetic location: 17q23.3.
Variant type: single nucleotide variant.
Coding change: c.5099A>C on transcript NM_001394998.1 (MANE Select); coding-DNA position 5099, A replaced by C.
Protein change: p.Asn1700Thr; replaces asparagine 1700 with threonine.
Molecular consequence: missense variant.
Genome position (GRCh38, 1-based): chr17:63,420,829, A>C. VCF-style: chr17-63420829-A-C. GRCh37 (hg19) VCF-style: chr17-61498190-A-C.
Other names: c.4877A>C, p.Asn1626Thr (NM_001411076.1); c.4847A>C, p.Asn1616Thr (NM_025185.4); short protein forms N1616T, N1626T, N1700T.
Identifiers: ClinVar variation 2571720 (VCV002571720.3), dbSNP rs781506204, ClinGen allele CA8698374.

ClinVar aggregate classification (germline): Uncertain significance (1 of 4 stars; one submission).

Allele frequency attached by ClinVar (database versions not stated): gnomAD exomes below 0.00001; ExAC 0.00001; gnomAD 0.00003.
gnomAD v4.1: 6 of 1,613,844 alleles (0.00037%); highest among the groups gnomAD compares: African/African-American, 0.008%; no homozygotes.

Submission:

GeneDx
Classification: Uncertain significance. Last evaluated: 2024-10-22. Review status: criteria provided, single submitter. Criteria: GeneDx Variant Classification Process June 2021. Collection method: clinical testing. Allele origin: germline. Affected: yes.
Comment: In silico analysis indicates that this missense variant does not alter protein structure/function; Has not been previously published as pathogenic or benign to our knowledge